The following is an entry in ClinVar:

ClinVar aggregate classification (germline): Uncertain significance (1 of 4 stars; one submission).

Submission:

GeneDx
Classification: Uncertain significance. Last evaluated: 2024-06-13. Review status: criteria provided, single submitter. Criteria: GeneDx Variant Classification Process June 2021. Collection method: clinical testing. Allele origin: germline. Affected: yes.
Comment: Not observed at significant frequency in large population cohorts (gnomAD); In silico analysis indicates that this missense variant does not alter protein structure/function; Has not been previously published as pathogenic or benign to our knowledge

NM_004387.4(NKX2-5):c.901A>G (p.Asn301Asp)

Gene: NKX2-5 (NK2 homeobox 5; minus strand). Cytogenetic location: 5q35.1.
Variant type: single nucleotide variant.
Coding change: c.901A>G on transcript NM_004387.4 (MANE Select); coding-DNA position 901, A replaced by G.
Protein change: p.Asn301Asp; replaces asparagine 301 with aspartic acid.
Molecular consequence: missense variant. On other transcripts: 3 prime UTR variant (2).
Genome position (GRCh38, 1-based): chr5:173,232,643, T>C on the plus strand (A>G on the coding strand, the complement: NKX2-5 is on the minus strand). VCF-style: chr5-173232643-T-C. GRCh37 (hg19) VCF-style: chr5-172659646-T-C.
Other names: c.*854A>G (NM_001166175.2); c.*700A>G (NM_001166176.2); short protein forms N301D.
Identifiers: ClinVar variation 3390734 (VCV003390734.1).
Genomic context (GRCh38, chr5:173,232,643, plus strand): 5'-TACCATGCAGCGTGGACACTCCCGAGTTGCTCTGCGGAATCCCGGGGCTCTGAACCGCAT[T>C]CAAGTCCCCGACGCCGAAGTTCACGAAGTTGTTGTTGGCGGCGGCAGTGGCCGGCTGCGC-3'
Protein context (NP_004378.1, residues 291-311): NFVNFGVGDL[Asn301Asp]AVQSPGIPQS